The following is an entry in ClinVar:

NM_012123.4(MTO1):c.1246del (p.Glu416fs)

Gene: MTO1 (mitochondrial tRNA translation optimization 1; plus strand). Cytogenetic location: 6q13.
Variant type: Deletion.
Coding change: c.1246del on transcript NM_012123.4 (MANE Select); coding-DNA position 1246, one base deleted (G; older notation c.1246delG).
Protein change: p.Glu416fs; shifts the reading frame from glutamic acid 416.
Molecular consequence: frameshift variant.
Genome position (GRCh38, 1-based): chr6:73,480,791, G deleted; the last of 2 consecutive G bases (chr6:73,480,790-73,480,791); deleting either gives the same sequence. VCF-style (leftmost placement, unchanged base first): chr6-73480789-AG-A. GRCh37 (hg19) VCF-style: chr6-74190512-AG-A.
Other names: c.1246del (NM_012123.3); c.1246del, p.Glu416fs (NM_001123226.2); c.1321del, p.Glu441fs (NM_133645.3); short protein forms E416fs, E441fs.
Identifiers: ClinVar variation 1454905 (VCV001454905.7), dbSNP rs1250411982, ClinGen allele CA568118435.

ClinVar aggregate classification (germline): Pathogenic/Likely pathogenic. Review status: criteria provided, multiple submitters, no conflicts (2 of 4 stars). 2 submissions from 2 submitters: Pathogenic (1); Likely pathogenic (1). Last evaluated 2025-03-12.

Conditions:
Mitochondrial hypertrophic cardiomyopathy with lactic acidosis due to MTO1 deficiency. Also called: CARDIOMYOPATHY, INFANTILE HYPERTROPHIC MITOCHONDRIAL, AND LACTIC ACIDOSIS; Combined oxidative phosphorylation deficiency 10. Identifiers: Orphanet 314637, MedGen C4749921, MONDO:0013865, OMIM 614702.

Submissions (2):

GeneDx
Classification: Likely pathogenic. Last evaluated: 2025-03-12. Review status: criteria provided, single submitter. Criteria: GeneDx Variant Classification Process June 2021. Collection method: clinical testing. Allele origin: germline. Affected: yes.
Comment: Frameshift variant predicted to result in protein truncation or nonsense mediated decay in a gene for which loss of function is a known mechanism of disease; Not observed at significant frequency in large population cohorts (gnomAD); Has not been previously published as pathogenic or benign to our knowledge; This variant is associated with the following publications: (PMID: 22608499, 25058219)

Labcorp Genetics (formerly Invitae), Labcorp
Classification: Pathogenic for Mitochondrial hypertrophic cardiomyopathy with lactic acidosis due to MTO1 deficiency. Last evaluated: 2024-09-21. Review status: criteria provided, single submitter. Criteria: Invitae Variant Classification Sherloc (09022015). Collection method: clinical testing. Allele origin: germline.
Comment: This sequence change creates a premature translational stop signal (p.Glu416Lysfs*7) in the MTO1 gene. It is expected to result in an absent or disrupted protein product. Loss-of-function variants in MTO1 are known to be pathogenic (PMID: 22608499, 25058219). This variant is present in population databases (no rsID available, gnomAD 0.003%). This variant has not been reported in the literature in individuals affected with MTO1-related conditions. ClinVar contains an entry for this variant (Variation ID: 1454905). For these reasons, this variant has been classified as Pathogenic.

Literature cited by the submitters: PubMed 22608499 (cited by Labcorp Genetics (formerly Invitae), Labcorp); PubMed 25058219 (cited by Labcorp Genetics (formerly Invitae), Labcorp).